The following is an entry in ClinVar:

NM_080629.2(COL11A1):c.2796_2813delTCAAGGACCTCAGGGTCC

Gene: COL11A1 (collagen type XI alpha 1 chain; minus strand). Cytogenetic location: 1p21.1.
Variant type: Deletion.
Coding change: c.2796_2813delTCAAGGACCTCAGGGTCC on transcript NM_080629.2; coding-DNA positions 2796 to 2813, 18 bases deleted (TCAAGGACCTCAGGGTCC).
Genome position (GRCh38, 1-based): chr1:102,974,861-102,974,878, GGACCCTGAGGTCCTTGA deleted on the plus strand (TCAAGGACCTCAGGGTCC on the coding strand, the reverse complement: COL11A1 is on the minus strand); deleting any 18 consecutive bases within chr1:102,974,861-102,974,886 gives the same sequence; the c. name uses the placement nearest the transcript's 3' end. VCF-style (leftmost placement, unchanged base first): chr1-102974860-TGGACCCTGAGGTCCTTGA-T. GRCh37 (hg19) VCF-style: chr1-103440416-TGGACCCTGAGGTCCTTGA-T.
Identifiers: ClinVar variation 930420 (VCV000930420.9), ClinGen allele CA1139656255.

ClinVar aggregate classification (germline): Pathogenic. Review status: criteria provided, multiple submitters, no conflicts (2 of 4 stars). 2 submissions from 2 submitters: Pathogenic (2). Last evaluated 2021-09-01.

Conditions:
Marshall syndrome (MRSHS). Identifiers: Orphanet 560, MedGen C0265235, MONDO:0007949, OMIM 154780.

Submissions (2):

Labcorp Genetics (formerly Invitae), Labcorp
Classification: Pathogenic. Last evaluated: 2021-09-01. Review status: criteria provided, single submitter. Criteria: Invitae Variant Classification Sherloc (09022015). Collection method: clinical testing. Allele origin: germline.

Centre for Mendelian Genomics, University Medical Centre Ljubljana
Classification: Pathogenic for Marshall syndrome. Last evaluated: 2016-01-01. Review status: criteria provided, single submitter. Criteria: ACMG Guidelines, 2015. Collection method: clinical testing. Allele origin: unknown. Affected: yes.
Comment: This variant was classified as: Pathogenic. The following ACMG criteria were applied in classifying this variant: PM2,PM4,PP3.